The following is an entry in ClinVar:

NC_000021.8:g.(?_33974153)_(34100371_?)dup

Genes: SYNJ1 (synaptojanin 1; minus strand), CFAP298 (cilia and flagella associated protein 298; minus strand). Cytogenetic location: 21q22.11.
Variant type: Duplication.
Identifiers: ClinVar variation 454508 (VCV000454508.8).

ClinVar aggregate classification (germline): Uncertain significance. Review status: criteria provided, single submitter (1 of 4 stars). 2 submissions from 1 submitter: Uncertain significance (1). 1 of the submissions does not count toward it. Last evaluated 2022-10-25.

Conditions:
Developmental and epileptic encephalopathy, 53. Also called: Epileptic encephalopathy, early infantile, 53. Identifiers: MedGen C4479313, MONDO:0033362, OMIM 617389.
Early-onset Parkinson disease 20. Also called: PARKINSON DISEASE 20, AUTOSOMAL RECESSIVE EARLY-ONSET. Identifiers: Orphanet 391411, MedGen C3809824, MONDO:0014233, OMIM 615530.

Submissions (2):

Labcorp Genetics (formerly Invitae), Labcorp
Classification: Uncertain significance for Developmental and epileptic encephalopathy, 53; Early-onset Parkinson disease 20. Last evaluated: 2022-10-25. Review status: criteria provided, single submitter. Criteria: Invitae Variant Classification Sherloc (09022015). Collection method: clinical testing. Allele origin: germline.
Comment: A copy number gain of the genomic region encompassing the full coding sequence of the SYNJ1 gene has been identified. The boundaries of this event are unknown as they extend beyond the assayed region for this gene and therefore may encompass additional genes. As the precise location of this event is unknown, it may be in tandem or it may be located elsewhere in the genome. This variant has not been reported in the literature in individuals affected with SYNJ1-related conditions. Experimental studies and prediction algorithms are not available or were not evaluated, and the functional significance of this variant is currently unknown. In summary, the available evidence is currently insufficient to determine the role of this variant in disease. Therefore, it has been classified as a Variant of Uncertain Significance.

Labcorp Genetics (formerly Invitae), Labcorp
Classification: Uncertain significance. Last evaluated: 2019-12-12. Review status: flagged submission. Criteria: Invitae Variant Classification Sherloc (09022015). Collection method: clinical testing. Allele origin: germline. Not counted in ClinVar's aggregate classification.
Comment: A gross duplication of the genomic region encompassing the full coding sequence of the C21orf59 gene has been identified. The boundaries of this event are unknown as the duplication extends beyond the assayed region for this gene and therefore may encompass additional genes. As the precise location of this duplication is unknown, it may be in tandem or it may be located elsewhere in the genome. This variant has not been reported in the literature in individuals with C21orf59-related disease. Experimental studies are not available for this variant, and the functional significance of a copy number gain of this gene is currently unknown. In summary, the available evidence is currently insufficient to determine the role of this variant in disease. Therefore, it has been classified as a Variant of Uncertain Significance.
ClinVar note: Reason: This record appears to be redundant with a more recent record from the same submitter.
ClinVar note: Notes: SCV000623940 appears to be redundant with SCV003792530.